The following is an entry in ClinVar:

ClinVar aggregate classification (germline): Uncertain significance (1 of 4 stars; one submission).

Conditions:
3-methylcrotonyl-CoA carboxylase 2 deficiency. Also called: METHYLCROTONYLGLYCINURIA, TYPE II; 3 alpha methylcrotonyl-CoA carboxylase 2 deficiency; 3 alpha methylcrotonylglycinuria 2; MCC 2 deficiency; Methylcrotonylglycinuria type 2. Identifiers: Orphanet 6, MedGen C1859499, MONDO:0008862, OMIM 210210.

Submission:

Labcorp Genetics (formerly Invitae), Labcorp
Classification: Uncertain significance for 3-methylcrotonyl-CoA carboxylase 2 deficiency. Last evaluated: 2021-12-25. Review status: criteria provided, single submitter. Criteria: Invitae Variant Classification Sherloc (09022015). Collection method: clinical testing. Allele origin: germline.
Comment: In summary, the available evidence is currently insufficient to determine the role of this variant in disease. Therefore, it has been classified as a Variant of Uncertain Significance. Variants that disrupt the consensus splice site are a relatively common cause of aberrant splicing (PMID: 17576681, 9536098). Algorithms developed to predict the effect of sequence changes on RNA splicing suggest that this variant may disrupt the consensus splice site. Algorithms developed to predict the effect of missense changes on protein structure and function are either unavailable or do not agree on the potential impact of this missense change (SIFT: "Deleterious"; PolyPhen-2: "Benign"; Align-GVGD: "Class C35"). ClinVar contains an entry for this variant (Variation ID: 576604). This missense change has been observed in individual(s) with clinical features of MCCC2-related conditions (Invitae). This variant is not present in population databases (gnomAD no frequency). This sequence change replaces glutamic acid, which is acidic and polar, with aspartic acid, which is acidic and polar, at codon 333 of the MCCC2 protein (p.Glu333Asp). This variant also falls at the last nucleotide of exon 10, which is part of the consensus splice site for this exon.

Literature cited by the submitters: PubMed 17576681; PubMed 9536098.

NM_022132.5(MCCC2):c.999G>T (p.Glu333Asp)

Gene: MCCC2 (methylcrotonyl-CoA carboxylase subunit 2; plus strand). Cytogenetic location: 5q13.2.
Variant type: single nucleotide variant.
Coding change: c.999G>T on transcript NM_022132.5 (MANE Select); coding-DNA position 999, G replaced by T.
Protein change: p.Glu333Asp; replaces glutamic acid 333 with aspartic acid.
Molecular consequence: missense variant.
Genome position (GRCh38, 1-based): chr5:71,635,246, G>T. VCF-style: chr5-71635246-G-T. GRCh37 (hg19) VCF-style: chr5-70931073-G-T.
Other names: c.885G>T, p.Glu295Asp (NM_001363147.1); short protein forms E333D, E295D.
Identifiers: ClinVar variation 576604 (VCV000576604.6), dbSNP rs1487531101, ClinGen allele CA359987875.